The following is an entry in ClinVar:

NM_014855.3(AP5Z1):c.706C>T (p.Gln236Ter)

Gene: AP5Z1 (adaptor related protein complex 5 subunit zeta 1; plus strand). Cytogenetic location: 7p22.1.
Variant type: single nucleotide variant.
Coding change: c.706C>T on transcript NM_014855.3 (MANE Select); coding-DNA position 706, C replaced by T.
Protein change: p.Gln236Ter; replaces glutamine 236 with a stop codon.
Molecular consequence: nonsense. On other transcripts: non-coding transcript variant (1).
Genome position (GRCh38, 1-based): chr7:4,784,287, C>T. VCF-style: chr7-4784287-C-T. GRCh37 (hg19) VCF-style: chr7-4823918-C-T.
Other names: c.706C>T, p.Gln236Ter (LRG_1247t1); c.238C>T, p.Gln80Ter (NM_001364858.1); short protein forms Q236*, Q80*.
Identifiers: ClinVar variation 578441 (VCV000578441.7), dbSNP rs988434253, ClinGen allele CA153021423.

ClinVar aggregate classification (germline): Pathogenic (1 of 4 stars; one submission).

Conditions:
Hereditary spastic paraplegia 48. Also called: SPASTIC PARAPLEGIA 48, AUTOSOMAL RECESSIVE; Spastic paraplegia 48. Identifiers: Orphanet 306511, MedGen C3150901, MONDO:0013342, OMIM 613647.

Allele frequency attached by ClinVar (database versions not stated): TOPMed below 0.00001.

Submission:

Labcorp Genetics (formerly Invitae), Labcorp
Classification: Pathogenic for Hereditary spastic paraplegia 48. Last evaluated: 2018-12-05. Review status: criteria provided, single submitter. Criteria: Invitae Variant Classification Sherloc (09022015). Collection method: clinical testing. Allele origin: germline.
Comment: This sequence change creates a premature translational stop signal (p.Gln236*) in the AP5Z1 gene. It is expected to result in an absent or disrupted protein product. This variant is not present in population databases (ExAC no frequency). This variant has not been reported in the literature in individuals with AP5Z1-related conditions. ClinVar contains an entry for this variant (Variation ID: 578441). Loss-of-function variants in AP5Z1 are known to be pathogenic (PMID: 20613862, 27606357). For these reasons, this variant has been classified as Pathogenic.

Literature cited by the submitters: PubMed 20613862; PubMed 27606357.